The following is an entry in ClinVar:

ClinVar aggregate classification (germline): Pathogenic. Review status: criteria provided, multiple submitters, no conflicts (2 of 4 stars). 2 submissions from 2 submitters: Pathogenic (2). Last evaluated 2021-06-22.

Conditions:
Arrhythmogenic cardiomyopathy with wooly hair and keratoderma. Also called: Carvajal syndrome; Dilated cardiomyopathy with woolly hair and keratoderma; Arrhythmogenic cardiomyopathy with woolly hair and keratoderma; PALMOPLANTAR KERATODERMA WITH LEFT VENTRICULAR CARDIOMYOPATHY AND WOOLLY HAIR. Identifiers: Orphanet 65282, MedGen C1854063, MONDO:0011581, OMIM 605676.
Arrhythmogenic right ventricular dysplasia 8 (ARVD8). Also called: Arrhythmogenic Right Ventricular Dysplasia/Cardiomyopathy 8; ARRHYTHMOGENIC RIGHT VENTRICULAR CARDIOMYOPATHY 8; ARRHYTHMOGENIC RIGHT VENTRICULAR DYSPLASIA, FAMILIAL, 8. Identifiers: MedGen C1843896, MONDO:0011831, OMIM 607450.

Submissions (2):

Labcorp Genetics (formerly Invitae), Labcorp
Classification: Pathogenic for Arrhythmogenic cardiomyopathy with wooly hair and keratoderma; Arrhythmogenic right ventricular dysplasia 8. Last evaluated: 2021-06-22. Review status: criteria provided, single submitter. Criteria: Invitae Variant Classification Sherloc (09022015). Collection method: clinical testing. Allele origin: germline.
Comment: For these reasons, this variant has been classified as Pathogenic. This variant has not been reported in the literature in individuals with DSP-related conditions. ClinVar contains an entry for this variant (Variation ID: 199873). This variant is not present in population databases (ExAC no frequency). This sequence change creates a premature translational stop signal (p.Glu882*) in the DSP gene. It is expected to result in an absent or disrupted protein product. Loss-of-function variants in DSP are known to be pathogenic (PMID: 20716751, 24503780, 25227139).

GeneDx
Classification: Pathogenic. Last evaluated: 2014-04-04. Review status: criteria provided, single submitter. Criteria: GeneDx Variant Classification (06012015). Collection method: clinical testing. Allele origin: germline. Affected: yes.
Comment: p.Glu882Stop (GAG>TAG): c.2644 G>T in exon 19 of the DSP gene (NM_004415.2). The E882X mutation in the DSP gene has not been reported as a disease-causing mutation or as a benign polymorphism to our knowledge. E882X is predicted to cause loss of normal protein function either by protein truncation or nonsense-mediated mRNA decay. The E882X mutation was not observed in approximately 6,500 individuals of European and African American ancestry in the NHLBI Exome Sequencing Project, indicating it is not a common benign variant in these populations. Furthermore, other nonsense mutations in the DSP gene have been reported in association with ARVC. In summary, E882X in the DSP gene is interpreted as a disease-causing mutation. The variant is found in CARDIOMYOPATHY panel(s).

Literature cited by the submitters: PubMed 20716751 (cited by Labcorp Genetics (formerly Invitae), Labcorp); PubMed 24503780 (cited by Labcorp Genetics (formerly Invitae), Labcorp); PubMed 25227139 (cited by Labcorp Genetics (formerly Invitae), Labcorp).

NM_004415.4(DSP):c.2644G>T (p.Glu882Ter)

Gene: DSP (desmoplakin; plus strand). Cytogenetic location: 6p24.3.
Variant type: single nucleotide variant.
Coding change: c.2644G>T on transcript NM_004415.4 (MANE Select); coding-DNA position 2644, G replaced by T.
Protein change: p.Glu882Ter; replaces glutamic acid 882 with a stop codon.
Molecular consequence: nonsense.
Genome position (GRCh38, 1-based): chr6:7,576,307, G>T. VCF-style: chr6-7576307-G-T. GRCh37 (hg19) VCF-style: chr6-7576540-G-T.
Other names: p.E882*:GAG>TAG; c.2644G>T, p.Glu882Ter (NM_001008844.3, NM_001319034.2); c.2644G>T (LRG_423t1); short protein forms E882*.
Identifiers: ClinVar variation 199873 (VCV000199873.8), dbSNP rs730880081, ClinGen allele CA005467.